The following is an entry in ClinVar:

ClinVar aggregate classification (germline): Uncertain significance (1 of 4 stars; one submission).

Conditions:
Landau-Kleffner syndrome (FESD). Also called: APHASIA, ACQUIRED, WITH EPILEPSY; EPILEPSY, FOCAL, WITH SPEECH DISORDER AND WITH OR WITHOUT MENTAL RETARDATION. Identifiers: Orphanet 1945, Orphanet 725, Orphanet 98818, MedGen C0282512, MONDO:0009509, OMIM 245570.

Submission:

Labcorp Genetics (formerly Invitae), Labcorp
Classification: Uncertain significance for Landau-Kleffner syndrome. Last evaluated: 2021-08-08. Review status: criteria provided, single submitter. Criteria: Invitae Variant Classification Sherloc (09022015). Collection method: clinical testing. Allele origin: germline.
Comment: In summary, the available evidence is currently insufficient to determine the role of this variant in disease. Therefore, it has been classified as a Variant of Uncertain Significance. Advanced modeling of protein sequence and biophysical properties (such as structural, functional, and spatial information, amino acid conservation, physicochemical variation, residue mobility, and thermodynamic stability) performed at Invitae indicates that this missense variant is not expected to disrupt GRIN2A protein function. This variant has not been reported in the literature in individuals affected with GRIN2A-related conditions. This variant is not present in population databases (ExAC no frequency). This sequence change replaces tyrosine with histidine at codon 1151 of the GRIN2A protein (p.Tyr1151His). The tyrosine residue is moderately conserved and there is a moderate physicochemical difference between tyrosine and histidine.

NM_001134407.3(GRIN2A):c.3451T>C (p.Tyr1151His)

Gene: GRIN2A (glutamate ionotropic receptor NMDA type subunit 2A; minus strand). Cytogenetic location: 16p13.2.
Variant type: single nucleotide variant.
Coding change: c.3451T>C on transcript NM_001134407.3 (MANE Select); coding-DNA position 3451, T replaced by C.
Protein change: p.Tyr1151His; replaces tyrosine 1151 with histidine.
Molecular consequence: missense variant.
Genome position (GRCh38, 1-based): chr16:9,764,093, A>G on the plus strand (T>C on the coding strand, the complement: GRIN2A is on the minus strand). VCF-style: chr16-9764093-A-G. GRCh37 (hg19) VCF-style: chr16-9857950-A-G.
Other names: c.3451T>C, p.Tyr1151His (NM_000833.5, NM_001134408.2); short protein forms Y1151H.
Identifiers: ClinVar variation 1373477 (VCV001373477.6), dbSNP rs1555482433, ClinGen allele CA394707837.
Genomic context (GRCh38, chr16:9,764,093, plus strand): 5'-GGTTCCGGTTCATTGGCAGCGTGGAGTCCCCCTTGCGGAAGTTTTCACTGGGATCCTGGT[A>G]GGGGTCCGGGAAGTCCACGTTCTCGGGCAGGGTCACATTTTCAACAAACTGGGGTGGATC-3'
Protein context (NP_001127879.1, residues 1141-1161): LPENVDFPDP[Tyr1151His]QDPSENFRKG